The following is an entry in ClinVar:

ClinVar aggregate classification (germline): Likely pathogenic (1 of 4 stars; one submission).

Conditions:
Pyknodysostosis. Also called: Pycnodysostosis. Identifiers: Orphanet 763, MedGen C0238402, MONDO:0009940, OMIM 265800.

Submission:

Myriad Genetics, Inc.
Classification: Likely pathogenic for Pyknodysostosis. Last evaluated: 2022-02-19. Review status: criteria provided, single submitter. Criteria: Myriad Women's Health Autosomal Recessive and X-Linked Classification Criteria (2021). Collection method: clinical testing. Allele origin: unknown.
Comment: NM_000396.3(CTSK):c.690delG(N231Mfs*5) is expected to be pathogenic in the context of pycnodysostosis. This variant is predicted to lead to an abnormal or absent protein product due to the creation of a premature termination codon in CTSK, a gene where loss-of-function variants are known to be pathogenic. Please note: this variant was assessed in the context of healthy population screening.

NM_000396.4(CTSK):c.690del (p.Asn231fs)

Gene: CTSK (cathepsin K; minus strand). Cytogenetic location: 1q21.3.
Variant type: Deletion.
Coding change: c.690del on transcript NM_000396.4 (MANE Select); coding-DNA position 690, one base deleted (G; older notation c.690delG).
Protein change: p.Asn231fs; shifts the reading frame from asparagine 231.
Molecular consequence: frameshift variant.
Genome position (GRCh38, 1-based): chr1:150,799,638, C deleted on the plus strand (G on the coding strand, the reverse complement: CTSK is on the minus strand); the first of 4 consecutive C bases (chr1:150,799,638-150,799,641); deleting any one gives the same sequence. VCF-style (leftmost placement, unchanged base first): chr1-150799637-TC-T. GRCh37 (hg19) VCF-style: chr1-150772113-TC-T.
Other names: short protein forms N231fs.
Identifiers: ClinVar variation 1724532 (VCV001724532.2), dbSNP rs2525166561, ClinGen allele CA2580060992.